The following is an entry in ClinVar:

ClinVar aggregate classification (germline): Uncertain significance (1 of 4 stars; one submission).

Conditions:
Inborn genetic diseases. Identifiers: MedGen C0950123, MeSH D030342.

Allele frequency attached by ClinVar (database versions not stated): gnomAD exomes below 0.00001.
gnomAD v4.1: 2 of 1,612,988 alleles (0.00012%); highest among the groups gnomAD compares: African/African-American, 0.0013%; no homozygotes.

Submission:

Ambry Genetics
Classification: Uncertain significance for Inborn genetic diseases. Last evaluated: 2019-06-14. Review status: criteria provided, single submitter. Criteria: Ambry Variant Classification Scheme 2023. Collection method: clinical testing. Allele origin: germline.
Comment: The p.K203E variant (also known as c.607A>G), located in coding exon 3 of the LINS gene, results from an A to G substitution at nucleotide position 607. The lysine at codon 203 is replaced by glutamic acid, an amino acid with similar properties. This amino acid position is highly conserved in available vertebrate species. In addition, the in silico prediction for this alteration is inconclusive.Since supporting evidence is limited at this time, the clinical significance of this alteration remains unclear.

NM_001040616.3(LINS1):c.607A>G (p.Lys203Glu)

Gene: LINS1 (lines homolog 1; minus strand). Cytogenetic location: 15q26.3.
Variant type: single nucleotide variant.
Coding change: c.607A>G on transcript NM_001040616.3 (MANE Select); coding-DNA position 607, A replaced by G.
Protein change: p.Lys203Glu; replaces lysine 203 with glutamic acid.
Molecular consequence: missense variant. On other transcripts: 5 prime UTR variant (1), non-coding transcript variant (3).
Genome position (GRCh38, 1-based): chr15:100,575,011, T>C on the plus strand (A>G on the coding strand, the complement: LINS1 is on the minus strand). VCF-style: chr15-100575011-T-C. GRCh37 (hg19) VCF-style: chr15-101115216-T-C.
Other names: c.-141A>G (NM_001352507.2); c.562A>G, p.Lys188Glu (NM_001352508.2); short protein forms K188E, K203E.
Identifiers: ClinVar variation 1799609 (VCV001799609.2), dbSNP rs2505401750, ClinGen allele CA393936913.